The following is an entry in ClinVar:

NM_001256789.3(CACNA1F):c.5270G>A (p.Cys1757Tyr)

Gene: CACNA1F (calcium voltage-gated channel subunit alpha1 F; minus strand). Cytogenetic location: Xp11.23.
Variant type: single nucleotide variant.
Coding change: c.5270G>A on transcript NM_001256789.3 (MANE Select); coding-DNA position 5270, G replaced by A.
Protein change: p.Cys1757Tyr; replaces cysteine 1757 with tyrosine.
Molecular consequence: missense variant.
Genome position (GRCh38, 1-based): chrX:49,206,817, C>T on the plus strand (G>A on the coding strand, the complement: CACNA1F is on the minus strand). VCF-style: chrX-49206817-C-T. GRCh37 (hg19) VCF-style: chrX-49063278-C-T.
Other names: c.5108G>A, p.Cys1703Tyr (NM_001256790.3); c.5303G>A, p.Cys1768Tyr (NM_005183.4); short protein forms C1703Y, C1768Y, C1757Y.
Identifiers: ClinVar variation 1901348 (VCV001901348.5), dbSNP rs782253898, ClinGen allele CA10410012.
Genomic context (GRCh38, chrX:49,206,817, plus strand): 5'-CGTGGTACCAGGTGCCCATCCATGTATCTCTGAGCTCTGTGAGGTGGCAAAAGGACTGAG[C>T]ACGGGGGAGTCCCTGCCTGCTCATCTAGGTAGGAAAGCCTGTGTGGGTGGGAGGGCCAGG-3'
Protein context (NP_001243718.1, residues 1747-1767): YLDEQAGTPP[Cys1757Tyr]SVLLPPHRAQ

ClinVar aggregate classification (germline): Uncertain significance (1 of 4 stars; one submission).

Allele frequency attached by ClinVar (database versions not stated): ExAC 0.00001; gnomAD exomes 0.00002.
gnomAD v4.1: 19 of 1,206,606 alleles (0.0016%); highest among the groups gnomAD compares: Non-Finnish European, 0.0021%; no homozygotes.

Submission:

Labcorp Genetics (formerly Invitae), Labcorp
Classification: Uncertain significance. Last evaluated: 2022-11-19. Review status: criteria provided, single submitter. Criteria: Invitae Variant Classification Sherloc (09022015). Collection method: clinical testing. Allele origin: germline.
Comment: In summary, the available evidence is currently insufficient to determine the role of this variant in disease. Therefore, it has been classified as a Variant of Uncertain Significance. Algorithms developed to predict the effect of missense changes on protein structure and function output the following: SIFT: "Tolerated"; PolyPhen-2: "Benign"; Align-GVGD: "Class C0". The tyrosine amino acid residue is found in multiple mammalian species, which suggests that this missense change does not adversely affect protein function. This variant has not been reported in the literature in individuals affected with CACNA1F-related conditions. The frequency data for this variant in the population databases is considered unreliable, as metrics indicate poor data quality at this position in the gnomAD database. This sequence change replaces cysteine, which is neutral and slightly polar, with tyrosine, which is neutral and polar, at codon 1768 of the CACNA1F protein (p.Cys1768Tyr).